The following is an entry in ClinVar:

ClinVar aggregate classification (germline): Uncertain significance (1 of 4 stars; one submission).

Conditions:
DOCK2 deficiency. Also called: Immunodeficiency 40. Identifiers: Orphanet 447737, MedGen C4225328, MONDO:0014637, OMIM 616433.

Submission:

Labcorp Genetics (formerly Invitae), Labcorp
Classification: Uncertain significance for DOCK2 deficiency. Last evaluated: 2024-06-20. Review status: criteria provided, single submitter. Criteria: Invitae Variant Classification Sherloc (09022015). Collection method: clinical testing. Allele origin: germline.
Comment: This sequence change replaces arginine, which is basic and polar, with lysine, which is basic and polar, at codon 735 of the DOCK2 protein (p.Arg735Lys). This variant is not present in population databases (gnomAD no frequency). This variant has not been reported in the literature in individuals affected with DOCK2-related conditions. An algorithm developed to predict the effect of missense changes on protein structure and function (PolyPhen-2) suggests that this variant is likely to be tolerated. In summary, the available evidence is currently insufficient to determine the role of this variant in disease. Therefore, it has been classified as a Variant of Uncertain Significance.

NM_004946.3(DOCK2):c.2204G>A (p.Arg735Lys)

Gene: DOCK2 (dedicator of cytokinesis 2; plus strand). Cytogenetic location: 5q35.1.
Variant type: single nucleotide variant.
Coding change: c.2204G>A on transcript NM_004946.3 (MANE Select); coding-DNA position 2204, G replaced by A.
Protein change: p.Arg735Lys; replaces arginine 735 with lysine.
Molecular consequence: missense variant. On other transcripts: non-coding transcript variant (1).
Genome position (GRCh38, 1-based): chr5:169,718,728, G>A. VCF-style: chr5-169718728-G-A. GRCh37 (hg19) VCF-style: chr5-169145732-G-A.
Other names: short protein forms R735K.
Identifiers: ClinVar variation 3657145 (VCV003657145.2).
Genomic context (GRCh38, chr5:169,718,728, plus strand): 5'-CAGTGCTGAAGACTTACTTGGATACCTCCAGCAGAGGGGAGCAATGTGAGCCAATCCTAA[G>A]AACGCTGAAGGCTTTGGAATATGTGTTCAAGTTCATTGTTCGGTCGAGGACATTATTTTC-3'
Protein context (NP_004937.1, residues 725-745): SRGEQCEPIL[Arg735Lys]TLKALEYVFK